The following is an entry in ClinVar:

NM_153603.4(COG7):c.1205C>T (p.Ala402Val)

Gene: COG7 (component of oligomeric golgi complex 7; minus strand). Cytogenetic location: 16p12.2.
Variant type: single nucleotide variant.
Coding change: c.1205C>T on transcript NM_153603.4 (MANE Select); coding-DNA position 1205, C replaced by T.
Protein change: p.Ala402Val; replaces alanine 402 with valine.
Molecular consequence: missense variant.
Genome position (GRCh38, 1-based): chr16:23,417,054, G>A on the plus strand (C>T on the coding strand, the complement: COG7 is on the minus strand). VCF-style: chr16-23417054-G-A. GRCh37 (hg19) VCF-style: chr16-23428375-G-A.
Other names: short protein forms A402V.
Identifiers: ClinVar variation 1520929 (VCV001520929.4), dbSNP rs149533590, ClinGen allele CA7961052.

ClinVar aggregate classification (germline): Uncertain significance (1 of 4 stars; one submission).

Conditions:
COG7 congenital disorder of glycosylation (CDG2E). Also called: CDG IIe; CONGENITAL DISORDER OF GLYCOSYLATION, TYPE IIe. Identifiers: Orphanet 79333, MedGen C2931010, MONDO:0012118, OMIM 608779.

Allele frequency attached by ClinVar (database versions not stated): ESP Exome Variant Server 0.00008; ExAC 0.00009; TOPMed 0.00009; gnomAD 0.00010 and 0.00011; gnomAD exomes 0.00010 and 0.00014.
gnomAD v4.1: 219 of 1,614,052 alleles (0.014%); highest among the groups gnomAD compares: Non-Finnish European, 0.016%; no homozygotes.

Submission:

Labcorp Genetics (formerly Invitae), Labcorp
Classification: Uncertain significance for COG7 congenital disorder of glycosylation. Last evaluated: 2024-01-15. Review status: criteria provided, single submitter. Criteria: Invitae Variant Classification Sherloc (09022015). Collection method: clinical testing. Allele origin: germline.
Comment: This sequence change replaces alanine, which is neutral and non-polar, with valine, which is neutral and non-polar, at codon 402 of the COG7 protein (p.Ala402Val). This variant is present in population databases (rs149533590, gnomAD 0.08%). This variant has not been reported in the literature in individuals affected with COG7-related conditions. ClinVar contains an entry for this variant (Variation ID: 1520929). Advanced modeling of protein sequence and biophysical properties (such as structural, functional, and spatial information, amino acid conservation, physicochemical variation, residue mobility, and thermodynamic stability) performed at Invitae indicates that this missense variant is not expected to disrupt COG7 protein function with a negative predictive value of 80%. In summary, the available evidence is currently insufficient to determine the role of this variant in disease. Therefore, it has been classified as a Variant of Uncertain Significance.